The following is an entry in ClinVar:

ClinVar aggregate classification (germline): Conflicting classifications of pathogenicity. Review status: criteria provided, conflicting classifications (1 of 4 stars). 5 submissions from 5 submitters: Uncertain significance (1); Benign (1); Likely benign (3). Last evaluated 2025-11-17.

Conditions:
Hereditary cancer-predisposing syndrome. Also called: Tumor predisposition; Hereditary neoplastic syndrome; Neoplastic Syndromes, Hereditary; Hereditary Cancer Syndrome. Identifiers: Orphanet 140162, MedGen C0027672, MeSH D009386, MONDO:0015356.
Hereditary nonpolyposis colorectal neoplasms. Identifiers: MedGen C0009405, MeSH D003123.
Lynch syndrome 4 (LYNCH4). Also called: Colorectal cancer, hereditary nonpolyposis, type 4; Hereditary non-polyposis colorectal cancer, type 4. Identifiers: Orphanet 144, MedGen C1838333, MONDO:0013699, OMIM 614337. Disease mechanism: loss of function.

Allele frequency attached by ClinVar (database versions not stated): gnomAD 0.00002.

Submissions (5):

Labcorp Genetics (formerly Invitae), Labcorp
Classification: Likely benign for Hereditary nonpolyposis colorectal neoplasms. Last evaluated: 2025-11-17. Review status: criteria provided, single submitter. Criteria: Invitae Variant Classification Sherloc (09022015). Collection method: clinical testing. Allele origin: germline.

Myriad Genetics, Inc.
Classification: Benign for Lynch syndrome 4. Last evaluated: 2025-02-03. Review status: criteria provided, single submitter. Criteria: Myriad Autosomal Dominant, Autosomal Recessive and X-Linked Classification Criteria (2023). Collection method: clinical testing. Allele origin: unknown.
Comment: This variant is considered benign. This variant is a silent/synonymous amino acid change and it is not expected to impact splicing.

Genetic Services Laboratory, University of Chicago
Classification: Uncertain significance. Last evaluated: 2021-06-23. Review status: criteria provided, single submitter. Criteria: ACMG Guidelines, 2015. Collection method: clinical testing. Allele origin: germline. Affected: no.

Ambry Genetics
Classification: Likely benign for Hereditary cancer-predisposing syndrome. Last evaluated: 2017-12-16. Review status: criteria provided, single submitter. Criteria: Ambry Variant Classification Scheme 2023. Collection method: clinical testing. Allele origin: germline.

GeneDx
Classification: Likely benign. Last evaluated: 2015-11-02. Review status: criteria provided, single submitter. Criteria: GeneDx Variant Classification (06012015). Collection method: clinical testing. Allele origin: germline. Affected: yes.
Comment: This variant is considered likely benign or benign based on one or more of the following criteria: it is a conservative change, it occurs at a poorly conserved position in the protein, it is predicted to be benign by multiple in silico algorithms, and/or has population frequency not consistent with disease.

NM_000535.7(PMS2):c.2217G>A (p.Leu739=)

Gene: PMS2 (PMS1 homolog 2, mismatch repair system component; minus strand). Cytogenetic location: 7p22.1.
Variant type: single nucleotide variant.
Coding change: c.2217G>A on transcript NM_000535.7 (MANE Select); coding-DNA position 2217, G replaced by A.
Protein change: p.Leu739=; no amino-acid change (leucine 739 retained).
Molecular consequence: synonymous variant. On other transcripts: non-coding transcript variant (1).
Genome position (GRCh38, 1-based): chr7:5,978,654, C>T on the plus strand (G>A on the coding strand, the complement: PMS2 is on the minus strand). VCF-style: chr7-5978654-C-T. GRCh37 (hg19) VCF-style: chr7-6018285-C-T.
Other names: c.1812G>A, p.Leu604= (NM_001322003.2, NM_001322004.2, NM_001322005.2 and 1 more transcripts); c.2061G>A, p.Leu687= (NM_001322006.2); c.1899G>A, p.Leu633= (NM_001322007.2, NM_001322008.2); c.1656G>A, p.Leu552= (NM_001322010.2); c.1284G>A, p.Leu428= (NM_001322011.2, NM_001322012.2); c.1644G>A, p.Leu548= (NM_001322013.2); c.2217G>A, p.Leu739= (NM_001322014.2); c.1908G>A, p.Leu636= (NM_001322015.2).
Identifiers: ClinVar variation 381248 (VCV000381248.20), dbSNP rs752718686, ClinGen allele CA16605114.